The following is an entry in ClinVar:

ClinVar aggregate classification (germline): Uncertain significance. Review status: criteria provided, multiple submitters, no conflicts (2 of 4 stars). 3 submissions from 3 submitters: Uncertain significance (3). Last evaluated 2022-03-16.

Conditions:
Orofaciodigital syndrome type 6 (OFD6). Also called: OROFACIODIGITAL SYNDROME VI; OFDS VI; POLYDACTYLY, CLEFT LIP/PALATE OR LINGUAL LUMP, AND PSYCHOMOTOR RETARDATION; VARADI SYNDROME; VARADI-PAPP SYNDROME; Oral-facial-digital syndrome type 6. Identifiers: Orphanet 2754, MedGen C2745997, MONDO:0010176, OMIM 277170.
Joubert syndrome 17 (JBTS17). Identifiers: Orphanet 475, MedGen C3553264, MONDO:0013824, OMIM 614615.

Allele frequency attached by ClinVar (database versions not stated): gnomAD 0.00001; gnomAD exomes 0.00001; TOPMed 0.00001.
gnomAD v4.1: 19 of 1,551,278 alleles (0.0012%); highest among the groups gnomAD compares: Non-Finnish European, 0.0011%; 1 homozygote.

Submissions (3):

Labcorp Genetics (formerly Invitae), Labcorp
Classification: Uncertain significance. Last evaluated: 2022-03-16. Review status: criteria provided, single submitter. Criteria: Invitae Variant Classification Sherloc (09022015). Collection method: clinical testing. Allele origin: germline.
Comment: In summary, the available evidence is currently insufficient to determine the role of this variant in disease. Therefore, it has been classified as a Variant of Uncertain Significance. Advanced modeling of protein sequence and biophysical properties (such as structural, functional, and spatial information, amino acid conservation, physicochemical variation, residue mobility, and thermodynamic stability) performed at Invitae indicates that this missense variant is not expected to disrupt CPLANE1 protein function. ClinVar contains an entry for this variant (Variation ID: 1029873). This variant has not been reported in the literature in individuals affected with CPLANE1-related conditions. The frequency data for this variant in the population databases is considered unreliable, as metrics indicate poor data quality at this position in the gnomAD database. This sequence change replaces valine, which is neutral and non-polar, with isoleucine, which is neutral and non-polar, at codon 805 of the CPLANE1 protein (p.Val805Ile).

Fulgent Genetics
Classification: Uncertain significance for Orofaciodigital syndrome type 6; Joubert syndrome 17. Last evaluated: 2022-02-19. Review status: criteria provided, single submitter. Criteria: ACMG Guidelines, 2015. Collection method: clinical testing. Allele origin: unknown.

Baylor Genetics
Classification: Uncertain significance for Joubert syndrome 17. Last evaluated: 2019-03-28. Review status: criteria provided, single submitter. Criteria: ACMG Guidelines, 2015. Collection method: clinical testing. Allele origin: unknown. Affected: yes.
Comment: This variant was determined to be of uncertain significance according to ACMG Guidelines, 2015 [PMID:25741868].

NM_001384732.1(CPLANE1):c.2413G>A (p.Val805Ile)

Gene: CPLANE1 (ciliogenesis and planar polarity effector complex subunit 1; minus strand). Cytogenetic location: 5p13.2.
Variant type: single nucleotide variant.
Coding change: c.2413G>A on transcript NM_001384732.1 (MANE Select); coding-DNA position 2413, G replaced by A.
Protein change: p.Val805Ile; replaces valine 805 with isoleucine.
Molecular consequence: missense variant.
Genome position (GRCh38, 1-based): chr5:37,224,619, C>T on the plus strand (G>A on the coding strand, the complement: CPLANE1 is on the minus strand). VCF-style: chr5-37224619-C-T. GRCh37 (hg19) VCF-style: chr5-37224721-C-T.
Other names: c.2413G>A, p.Val805Ile (NM_023073.4); short protein forms V805I.
Identifiers: ClinVar variation 1029873 (VCV001029873.4), dbSNP rs1490492363, ClinGen allele CA359492782.